The following is an entry in ClinVar:

NM_001042492.3(NF1):c.4729C>G (p.Gln1577Glu)

Gene: NF1 (neurofibromin 1; plus strand). Cytogenetic location: 17q11.2.
Variant type: single nucleotide variant.
Coding change: c.4729C>G on transcript NM_001042492.3 (MANE Select); coding-DNA position 4729, C replaced by G.
Protein change: p.Gln1577Glu; replaces glutamine 1577 with glutamic acid.
Molecular consequence: missense variant.
Genome position (GRCh38, 1-based): chr17:31,265,233, C>G. VCF-style: chr17-31265233-C-G. GRCh37 (hg19) VCF-style: chr17-29592251-C-G.
Other names: c.4666C>G, p.Gln1556Glu (NM_000267.4); short protein forms Q1556E, Q1577E.
Identifiers: ClinVar variation 1742280 (VCV001742280.2), dbSNP rs797044942, ClinGen allele CA399001152.

ClinVar aggregate classification (germline): Uncertain significance (1 of 4 stars; one submission).

Conditions:
Cardiovascular phenotype. Identifiers: MedGen CN230736.
Hereditary cancer-predisposing syndrome. Also called: Hereditary Cancer Syndrome; Hereditary neoplastic syndrome; Neoplastic Syndromes, Hereditary; Tumor predisposition. Identifiers: Orphanet 140162, MedGen C0027672, MeSH D009386, MONDO:0015356.

Submission:

Ambry Genetics
Classification: Uncertain significance for Cardiovascular phenotype; Hereditary cancer-predisposing syndrome. Last evaluated: 2020-10-29. Review status: criteria provided, single submitter. Criteria: Ambry Variant Classification Scheme 2023. Collection method: clinical testing. Allele origin: germline.
Comment: The p.Q1556E variant (also known as c.4666C>G), located in coding exon 35 of the NF1 gene, results from a C to G substitution at nucleotide position 4666. The glutamine at codon 1556 is replaced by glutamic acid, an amino acid with highly similar properties. This amino acid position is highly conserved in available vertebrate species. In addition, this alteration is predicted to be tolerated by in silico analysis. Since supporting evidence is limited at this time, the clinical significance of this alteration remains unclear.